The following is an entry in ClinVar:

ClinVar aggregate classification (germline): Benign (0 of 4 stars; one submission).

Conditions:
MUC16-related disorder. Also called: MUC16-related condition.

Allele frequency attached by ClinVar (database versions not stated): ESP Exome Variant Server 0.29466; 1000 Genomes Project 30x 0.31012; 1000 Genomes Project 0.31390; TOPMed 0.32021; gnomAD 0.32834; ExAC 0.35768; gnomAD exomes 0.36566.

Submission:

PreventionGenetics, part of Exact Sciences
Classification: Benign for MUC16-related condition. Last evaluated: 2019-10-21. Review status: no assertion criteria provided. Collection method: clinical testing. Allele origin: germline.
Comment: This variant is classified as benign based on ACMG/AMP sequence variant interpretation guidelines (Richards et al. 2015 PMID: 25741868, with internal and published modifications).

NM_001401501.2(MUC16):c.38610A>G (p.Arg12870=)

Gene: MUC16 (mucin 16, cell surface associated; minus strand). Cytogenetic location: 19p13.2.
Variant type: single nucleotide variant.
Coding change: c.38610A>G on transcript NM_001401501.2 (MANE Select); coding-DNA position 38610, A replaced by G.
Protein change: p.Arg12870=; no amino-acid change (arginine 12870 retained).
Molecular consequence: synonymous variant.
Genome position (GRCh38, 1-based): chr19:8,903,875, T>C on the plus strand (A>G on the coding strand, the complement: MUC16 is on the minus strand). VCF-style: chr19-8903875-T-C. GRCh37 (hg19) VCF-style: chr19-9014551-T-C.
Other names: c.39036A>G, p.Arg13012= (NM_001414686.1); c.38490A>G, p.Arg12830= (NM_001414687.1); c.38424A>G, p.Arg12808= (NM_024690.2).
Identifiers: ClinVar variation 3058852 (VCV003058852.2), dbSNP rs12459127, ClinGen allele CA9164613.
Genomic context (GRCh38, chr19:8,903,875, plus strand): 5'-AGCAAGGAGGAAGAGATTCCTACCATATTGCAGCTCCTCACCATTGACATAGAGACTGTT[T>C]CTGTCCAGGGTGTAGGGACCCAGCTCTTTGATGCCATTGGTCAGCTGGCTCAGCTCCCAG-3'
Protein context (NP_001388430.1, residues 12860-12880): IKELGPYTLD[Arg12870=]NSLYVNGFTH